The following is an entry in ClinVar:

ClinVar aggregate classification (germline): Uncertain significance (1 of 4 stars; one submission).

Conditions:
Epidermolysis bullosa simplex 3, localized or generalized intermediate, with BP230 deficiency (EBS3). Also called: Epidermolysis bullosa simplex, autosomal recessive 2; Epidermolysis bullosa simplex due to BP230 deficiency. Identifiers: Orphanet 412181, MedGen C3809470, MONDO:0014180, OMIM 615425.
Hereditary sensory and autonomic neuropathy type 6. Also called: HSAN VI; Neuropathy, hereditary sensory and autonomic, type VI. Identifiers: Orphanet 314381, MedGen C3539003, MONDO:0013839, OMIM 614653.

Allele frequency attached by ClinVar (database versions not stated): gnomAD exomes below 0.00001; gnomAD 0.00002; TOPMed 0.00002.
gnomAD v4.1: 4 of 1,613,612 alleles (0.00025%); highest among the groups gnomAD compares: African/African-American, 0.0013%; no homozygotes.

Submission:

Labcorp Genetics (formerly Invitae), Labcorp
Classification: Uncertain significance for Epidermolysis bullosa simplex 3, localized or generalized intermediate, with BP230 deficiency; Hereditary sensory and autonomic neuropathy type 6. Last evaluated: 2022-06-28. Review status: criteria provided, single submitter. Criteria: Invitae Variant Classification Sherloc (09022015). Collection method: clinical testing. Allele origin: germline.
Comment: Experimental studies and prediction algorithms are not available or were not evaluated, and the functional significance of this variant is currently unknown. The DST gene has multiple clinically relevant transcripts. This variant occurs in alternate transcript NM_015548.4, and corresponds to NM_001723.5:c.*85877G>T in the primary transcript. In summary, the available evidence is currently insufficient to determine the role of this variant in disease. Therefore, it has been classified as a Variant of Uncertain Significance. This variant has not been reported in the literature in individuals affected with DST-related conditions. This variant is not present in population databases (gnomAD no frequency). This sequence change replaces tryptophan, which is neutral and slightly polar, with cysteine, which is neutral and slightly polar, at codon 3178 of the DST protein (p.Trp3178Cys).

NM_001374736.1(DST):c.17403G>T (p.Trp5801Cys)

Gene: DST (dystonin; minus strand). Cytogenetic location: 6p12.1.
Variant type: single nucleotide variant.
Coding change: c.17403G>T on transcript NM_001374736.1 (MANE Select); coding-DNA position 17403, G replaced by T.
Protein change: p.Trp5801Cys; replaces tryptophan 5801 with cysteine.
Molecular consequence: missense variant. On other transcripts: intron variant (2).
Genome position (GRCh38, 1-based): chr6:56,529,640, C>A on the plus strand (G>T on the coding strand, the complement: DST is on the minus strand). VCF-style: chr6-56529640-C-A. GRCh37 (hg19) VCF-style: chr6-56394438-C-A.
Other names: c.11046G>T, p.Trp3682Cys (NM_001144769.5); c.10632G>T, p.Trp3544Cys (NM_001144770.2); c.17403G>T, p.Trp5801Cys (NM_001374722.1); c.17430G>T, p.Trp5810Cys (NM_001374734.1); c.10512G>T, p.Trp3504Cys (NM_001386100.1, NM_183380.4); c.9534G>T, p.Trp3178Cys (NM_015548.5); c.10377+334G>T (NM_001374730.1); c.16635+334G>T (NM_001374729.1); short protein forms W3504C, W3178C, W3682C, W3544C, W5801C, W5810C.
Identifiers: ClinVar variation 2011755 (VCV002011755.4), dbSNP rs891354194, ClinGen allele CA139190212.